The following is an entry in ClinVar:

ClinVar aggregate classification (germline): Likely benign. Review status: criteria provided, single submitter (1 of 4 stars). 2 submissions from 2 submitters: Likely benign (1). 1 of the submissions does not count toward it. Last evaluated 2022-10-18.

Conditions:
RAI1-related disorder. Also called: RAI1-related condition.

Allele frequency attached by ClinVar (database versions not stated): TOPMed below 0.00001.

Submissions (2):

Labcorp Genetics (formerly Invitae), Labcorp
Classification: Likely benign. Last evaluated: 2022-10-18. Review status: criteria provided, single submitter. Criteria: Invitae Variant Classification Sherloc (09022015). Collection method: clinical testing. Allele origin: germline.

PreventionGenetics, part of Exact Sciences
Classification: Likely benign for RAI1-related condition. Last evaluated: 2021-06-30. Review status: no assertion criteria provided. Collection method: clinical testing. Allele origin: germline. Not counted in ClinVar's aggregate classification.
Comment: This variant is classified as likely benign based on ACMG/AMP sequence variant interpretation guidelines (Richards et al. 2015 PMID: 25741868, with internal and published modifications).

NM_030665.4(RAI1):c.2979A>G (p.Pro993=)

Gene: RAI1 (retinoic acid induced 1; plus strand). Cytogenetic location: 17p11.2.
Variant type: single nucleotide variant.
Coding change: c.2979A>G on transcript NM_030665.4 (MANE Select); coding-DNA position 2979, A replaced by G.
Protein change: p.Pro993=; no amino-acid change (proline 993 retained).
Molecular consequence: synonymous variant.
Genome position (GRCh38, 1-based): chr17:17,795,927, A>G. VCF-style: chr17-17795927-A-G. GRCh37 (hg19) VCF-style: chr17-17699241-A-G.
Other names: c.2979A>G (NM_030665.3).
Identifiers: ClinVar variation 1908233 (VCV001908233.6), dbSNP rs2032224531, ClinGen allele CA498424539.